The following is an entry in ClinVar:

NM_004700.4(KCNQ4):c.2023G>A (p.Glu675Lys)

Gene: KCNQ4 (potassium voltage-gated channel subfamily Q member 4; plus strand). Cytogenetic location: 1p34.2.
Variant type: single nucleotide variant.
Coding change: c.2023G>A on transcript NM_004700.4 (MANE Select); coding-DNA position 2023, G replaced by A.
Protein change: p.Glu675Lys; replaces glutamic acid 675 with lysine.
Molecular consequence: missense variant.
Genome position (GRCh38, 1-based): chr1:40,838,458, G>A. VCF-style: chr1-40838458-G-A. GRCh37 (hg19) VCF-style: chr1-41304130-G-A.
Other names: c.1861G>A, p.Glu621Lys (NM_172163.3); short protein forms E621K, E675K.
Identifiers: ClinVar variation 2637390 (VCV002637390.1), dbSNP rs1202563907, ClinGen allele CA339891339.

ClinVar aggregate classification (germline): Uncertain significance (1 of 4 stars; one submission).

Conditions:
KCNQ4-related disorder. Also called: KCNQ4-related condition.

Allele frequency attached by ClinVar (database versions not stated): gnomAD 0.00001.
gnomAD v4.1: 4 of 1,614,048 alleles (0.00025%); highest among the groups gnomAD compares: Non-Finnish European, 0.00034%; no homozygotes.

Submission:

PreventionGenetics, part of Exact Sciences
Classification: Uncertain significance for KCNQ4-related condition. Last evaluated: 2022-10-14. Review status: criteria provided, single submitter. Criteria: ACMG Guidelines, 2015. Collection method: clinical testing. Allele origin: germline.
Comment: The KCNQ4 c.2023G>A variant is predicted to result in the amino acid substitution p.Glu675Lys. To our knowledge, this variant has not been reported in the literature or in a large population database, indicating this variant is rare. At this time, the clinical significance of this variant is uncertain due to the absence of conclusive functional and genetic evidence.